The following is an entry in ClinVar:

NM_005670.4(EPM2A):c.901C>A (p.Pro301Thr)

Gene: EPM2A (EPM2A glucan phosphatase, laforin; minus strand). Cytogenetic location: 6q24.3.
Variant type: single nucleotide variant.
Coding change: c.901C>A on transcript NM_005670.4 (MANE Select); coding-DNA position 901, C replaced by A.
Protein change: p.Pro301Thr; replaces proline 301 with threonine.
Molecular consequence: missense variant. On other transcripts: non-coding transcript variant (1).
Genome position (GRCh38, 1-based): chr6:145,627,511, G>T on the plus strand (C>A on the coding strand, the complement: EPM2A is on the minus strand). VCF-style: chr6-145627511-G-T. GRCh37 (hg19) VCF-style: chr6-145948647-G-T.
Other names: c.901C>A, p.Pro301Thr (NM_001018041.2); c.659C>A, p.Ala220Asp (NM_001360057.2); c.487C>A, p.Pro163Thr (NM_001360064.2, NM_001360071.2, NM_001368131.1); c.439C>A, p.Pro147Thr (NM_001368129.2, NM_001368132.1); short protein forms A220D, P147T, P301T, P163T.
Identifiers: ClinVar variation 1038675 (VCV001038675.8), dbSNP rs1050606699, ClinGen allele CA366189960.
Genomic context (GRCh38, chr6:145,627,511, plus strand): 5'-ATTTCTGGAAAAAATCTTCTTGTGCCCGGGCCAAGGCCTCTTCGTCAATGTAGACAGCCG[G>T]CCTCTTGGCCATGAGGAAATACTGCACCTTCCTCAGATTCCAGCCCATCACATACTGGAG-3'
Protein context (NP_005661.1, residues 291-311): KVQYFLMAKR[Pro301Thr]AVYIDEEALA

ClinVar aggregate classification (germline): Uncertain significance (1 of 4 stars; one submission).

Conditions:
Progressive myoclonic epilepsy. Also called: Familial progressive myoclonic epilepsy; Myoclonic Epilepsies, Progressive; Myoclonus epilepsy; Progressive myoclonus epilepsy. Identifiers: Orphanet 308, Orphanet 98261, MedGen C0751778, MONDO:0020074.

Submission:

Labcorp Genetics (formerly Invitae), Labcorp
Classification: Uncertain significance for Progressive myoclonic epilepsy. Last evaluated: 2022-07-12. Review status: criteria provided, single submitter. Criteria: Invitae Variant Classification Sherloc (09022015). Collection method: clinical testing. Allele origin: germline.
Comment: In summary, the available evidence is currently insufficient to determine the role of this variant in disease. Therefore, it has been classified as a Variant of Uncertain Significance. Algorithms developed to predict the effect of missense changes on protein structure and function (SIFT, PolyPhen-2, Align-GVGD) all suggest that this variant is likely to be disruptive. ClinVar contains an entry for this variant (Variation ID: 1038675). This variant has not been reported in the literature in individuals affected with EPM2A-related conditions. This variant is not present in population databases (gnomAD no frequency). This sequence change replaces proline, which is neutral and non-polar, with threonine, which is neutral and polar, at codon 301 of the EPM2A protein (p.Pro301Thr).